The following is an entry in ClinVar:

NM_058216.3(RAD51C):c.380C>T (p.Pro127Leu)

Gene: RAD51C (RAD51 paralog C; plus strand). Cytogenetic location: 17q22.
Variant type: single nucleotide variant.
Coding change: c.380C>T on transcript NM_058216.3 (MANE Select); coding-DNA position 380, C replaced by T.
Protein change: p.Pro127Leu; replaces proline 127 with leucine.
Molecular consequence: missense variant. On other transcripts: non-coding transcript variant (2).
Genome position (GRCh38, 1-based): chr17:58,695,165, C>T. VCF-style: chr17-58695165-C-T. GRCh37 (hg19) VCF-style: chr17-56772526-C-T.
Other names: c.380C>T, p.Pro127Leu (NM_002876.4, NM_058217.1); short protein forms P127L.
Identifiers: ClinVar variation 2109914 (VCV002109914.5), dbSNP rs2143727110, ClinGen allele CA400341891.
Genomic context (GRCh38, chr17:58,695,165, plus strand): 5'-TAGATGATATTCTTGGGGGTGGAGTGCCCTTAATGAAAACAACAGAAATTTGTGGTGCAC[C>T]AGGTGTTGGAAAAACACAATTATGGTAAAATAAAGTGTTCTCCTTTTAAGGGTGGGTTTA-3'
Protein context (NP_478123.1, residues 117-137): LMKTTEICGA[Pro127Leu]GVGKTQLCMQ

ClinVar aggregate classification (germline): Uncertain significance. Review status: criteria provided, multiple submitters, no conflicts (2 of 4 stars). 2 submissions from 2 submitters: Uncertain significance (2). Last evaluated 2025-01-13.

Conditions:
Fanconi anemia complementation group O. Also called: RAD51C-Related Fanconi Anemia. Identifiers: Orphanet 84, MedGen C3150653, MONDO:0013248, OMIM 613390.
Hereditary cancer-predisposing syndrome. Also called: Hereditary Cancer Syndrome; Tumor predisposition; Neoplastic Syndromes, Hereditary; Hereditary neoplastic syndrome. Identifiers: Orphanet 140162, MedGen C0027672, MeSH D009386, MONDO:0015356.

Allele frequency attached by ClinVar (database versions not stated): gnomAD exomes below 0.00001.
gnomAD v4.1: 1 of 1,612,518 alleles (0.000062%); highest among the groups gnomAD compares: Non-Finnish European, 0.000085%; no homozygotes.

Submissions (2):

Color Diagnostics, LLC DBA Color Health
Classification: Uncertain significance for Hereditary cancer-predisposing syndrome. Last evaluated: 2025-01-13. Review status: criteria provided, single submitter. Criteria: ACMG Guidelines, 2015. Collection method: clinical testing. Allele origin: germline.
Comment: This missense variant replaces proline with leucine at codon 127 of the RAD51C protein. Computational prediction is inconclusive regarding the impact of this variant on protein structure and function (internally defined REVEL score threshold 0.5 < inconclusive < 0.7, PMID: 27666373). To our knowledge, functional studies have not been reported for this variant. This variant has not been reported in individuals affected with RAD51C-related disorders in the literature. This variant has not been identified in the general population by the Genome Aggregation Database (gnomAD). The available evidence is insufficient to determine the role of this variant in disease conclusively. Therefore, this variant is classified as a Variant of Uncertain Significance.

Labcorp Genetics (formerly Invitae), Labcorp
Classification: Uncertain significance for Fanconi anemia complementation group O. Last evaluated: 2022-03-12. Review status: criteria provided, single submitter. Criteria: Invitae Variant Classification Sherloc (09022015). Collection method: clinical testing. Allele origin: germline.
Comment: In summary, the available evidence is currently insufficient to determine the role of this variant in disease. Therefore, it has been classified as a Variant of Uncertain Significance. Algorithms developed to predict the effect of missense changes on protein structure and function are either unavailable or do not agree on the potential impact of this missense change (SIFT: "Deleterious"; PolyPhen-2: "Probably Damaging"; Align-GVGD: "Class C15"). This variant has not been reported in the literature in individuals affected with RAD51C-related conditions. This variant is not present in population databases (gnomAD no frequency). This sequence change replaces proline, which is neutral and non-polar, with leucine, which is neutral and non-polar, at codon 127 of the RAD51C protein (p.Pro127Leu).